The following is an entry in ClinVar:

NM_015215.4(CAMTA1):c.2685_2686dup (p.Gln896fs)

Gene: CAMTA1 (calmodulin binding transcription activator 1; plus strand). Cytogenetic location: 1p36.23.
Variant type: Duplication.
Coding change: c.2685_2686dup on transcript NM_015215.4 (MANE Select); coding-DNA positions 2685 to 2686, 2 bases duplicated (GC; older notation c.2685_2686dupGC).
Protein change: p.Gln896fs; shifts the reading frame from glutamine 896.
Molecular consequence: frameshift variant. On other transcripts: 5 prime UTR variant (6).
Genome position (GRCh38, 1-based): chr1:7,670,943-7,670,944, GC duplicated. VCF-style (leftmost placement, unchanged base first): chr1-7670942-G-GGC. GRCh37 (hg19) VCF-style: chr1-7731002-G-GGC.
Other names: c.2595_2596dup, p.Gln866fs (NM_001349608.2, NM_001349612.2); c.2685_2686dup, p.Gln896fs (NM_001349609.2, NM_001349610.2, NM_001410737.1); c.-244_-243dup (NM_001349614.1, NM_001349617.1, NM_001349620.1 and 3 more transcripts); c.2613_2614dup, p.Gln872fs (NM_001410738.1); short protein forms Q866fs, Q872fs, Q896fs.
Identifiers: ClinVar variation 2630516 (VCV002630516.1), dbSNP rs2523920375, ClinGen allele CA2695197956.
Genomic context (GRCh38, chr1:7,670,942, plus strand): 5'-AACTCTGTTCCCCTCTCTGTTCTCTGCAGGGAGGAGTGAAGGTCCTCATCACAGGCCCGT[G>GGC]GCAAGAAGCCAGCAATAACTACAGCTGCCTGTTTGACCAGATCTCAGTGCCTGCATCCCT-3'

ClinVar aggregate classification (germline): Pathogenic (1 of 4 stars; one submission).

Conditions:
CAMTA1-related disorder. Also called: CAMTA1-related condition.

Submission:

PreventionGenetics, part of Exact Sciences
Classification: Pathogenic for CAMTA1-related condition. Last evaluated: 2023-01-30. Review status: criteria provided, single submitter. Criteria: ACMG Guidelines, 2015. Collection method: clinical testing. Allele origin: germline.
Comment: The CAMTA1 c.2685_2686dupGC variant is predicted to result in a frameshift and premature protein termination (p.Gln896Argfs*21). To our knowledge, this variant has not been reported in the literature or in a large population database, indicating this variant is rare. Frameshift variants in CAMTA1 are expected to be pathogenic. This variant is interpreted as pathogenic.